The following is an entry in ClinVar:

NM_212482.4(FN1):c.2131G>A (p.Val711Met)

Gene: FN1 (fibronectin 1; minus strand). Cytogenetic location: 2q35.
Variant type: single nucleotide variant.
Coding change: c.2131G>A on transcript NM_212482.4 (MANE Select); coding-DNA position 2131, G replaced by A.
Protein change: p.Val711Met; replaces valine 711 with methionine.
Molecular consequence: missense variant.
Genome position (GRCh38, 1-based): chr2:215,409,731, C>T on the plus strand (G>A on the coding strand, the complement: FN1 is on the minus strand). VCF-style: chr2-215409731-C-T. GRCh37 (hg19) VCF-style: chr2-216274454-C-T.
Other names: c.2131G>A, p.Val711Met (NM_001306129.2, NM_001306130.2, NM_001306131.2 and 13 more transcripts); c.2131G>A (NM_212482.1, NM_212482.2); short protein forms V711M.
Identifiers: ClinVar variation 1556569 (VCV001556569.10), dbSNP rs201575058, ClinGen allele CA2095057.

ClinVar aggregate classification (germline): Conflicting classifications of pathogenicity. Review status: criteria provided, conflicting classifications (1 of 4 stars). 3 submissions from 3 submitters: Uncertain significance (1); Likely benign (2). Last evaluated 2026-01-31.

Conditions:
FN1-related disorder. Also called: FN1-related condition.
Inborn genetic diseases. Identifiers: MedGen C0950123, MeSH D030342.

Allele frequency attached by ClinVar (database versions not stated): gnomAD 0.00004 and 0.00005; TOPMed 0.00007; gnomAD exomes 0.00009 and 0.00021; ExAC 0.00015; 1000 Genomes Project 30x 0.00016; 1000 Genomes Project 0.00020.
gnomAD v4.1: 132 of 1,614,034 alleles (0.0082%); highest among the groups gnomAD compares: East Asian, 0.16%; no homozygotes.

Submissions (3):

Labcorp Genetics (formerly Invitae), Labcorp
Classification: Likely benign. Last evaluated: 2026-01-31. Review status: criteria provided, single submitter. Criteria: Invitae Variant Classification Sherloc (09022015). Collection method: clinical testing. Allele origin: germline.

PreventionGenetics, part of Exact Sciences
Classification: Likely benign for FN1-related condition. Last evaluated: 2025-01-09. Review status: criteria provided, single submitter. Criteria: ACMG Guidelines, 2015. Collection method: clinical testing. Allele origin: germline.
Comment: This variant is classified as likely benign based on ACMG/AMP sequence variant interpretation guidelines (Richards et al. 2015 PMID: 25741868, with internal and published modifications).

Ambry Genetics
Classification: Uncertain significance for Inborn genetic diseases. Last evaluated: 2022-07-12. Review status: criteria provided, single submitter. Criteria: Ambry Variant Classification Scheme 2023. Collection method: clinical testing. Allele origin: germline.